The following is an entry in ClinVar:

ClinVar aggregate classification (germline): Uncertain significance (1 of 4 stars; one submission).

Conditions:
Bloom syndrome (BLM). Also called: Bloom-Torre-Machacek syndrome. Identifiers: Orphanet 125, MedGen C0005859, MONDO:0008876, OMIM 210900.

Submission:

Labcorp Genetics (formerly Invitae), Labcorp
Classification: Uncertain significance for Bloom syndrome. Last evaluated: 2019-12-27. Review status: criteria provided, single submitter. Criteria: Invitae Variant Classification Sherloc (09022015). Collection method: clinical testing. Allele origin: germline.
Comment: This sequence change replaces serine with leucine at codon 611 of the BLM protein (p.Ser611Leu). The serine residue is weakly conserved and there is a large physicochemical difference between serine and leucine. This variant is not present in population databases (ExAC no frequency). This variant has not been reported in the literature in individuals with BLM-related conditions. Algorithms developed to predict the effect of missense changes on protein structure and function (SIFT, PolyPhen-2, Align-GVGD) all suggest that this variant is likely to be tolerated, but these predictions have not been confirmed by published functional studies and their clinical significance is uncertain. In summary, the available evidence is currently insufficient to determine the role of this variant in disease. Therefore, it has been classified as a Variant of Uncertain Significance.

NM_000057.4(BLM):c.1832C>T (p.Ser611Leu)

Gene: BLM (BLM RecQ like helicase; plus strand). Cytogenetic location: 15q26.1.
Variant type: single nucleotide variant.
Coding change: c.1832C>T on transcript NM_000057.4 (MANE Select); coding-DNA position 1832, C replaced by T.
Protein change: p.Ser611Leu; replaces serine 611 with leucine.
Molecular consequence: missense variant.
Genome position (GRCh38, 1-based): chr15:90,761,205, C>T. VCF-style: chr15-90761205-C-T. GRCh37 (hg19) VCF-style: chr15-91304435-C-T.
Other names: c.1832C>T, p.Ser611Leu (NM_001287246.2, NM_001287247.2); c.707C>T, p.Ser236Leu (NM_001287248.2); short protein forms S611L, S236L.
Identifiers: ClinVar variation 837394 (VCV000837394.1), dbSNP rs1895978539, ClinGen allele CA393843939.